The following is an entry in ClinVar:

ClinVar aggregate classification (germline): Likely benign. Review status: criteria provided, single submitter (1 of 4 stars). 2 submissions from 2 submitters: Likely benign (1). 1 of the submissions does not count toward it. Last evaluated 2022-06-13.

Conditions:
AGL-related disorder. Also called: AGL-related condition.
Glycogen storage disease type III (GSD3). Also called: FORBES DISEASE; Cori disease. Identifiers: Orphanet 366, MedGen C0017922, MONDO:0009291, OMIM 232400.

Submissions (2):

Labcorp Genetics (formerly Invitae), Labcorp
Classification: Likely benign for Glycogen storage disease type III. Last evaluated: 2022-06-13. Review status: criteria provided, single submitter. Criteria: Invitae Variant Classification Sherloc (09022015). Collection method: clinical testing. Allele origin: germline.

PreventionGenetics, part of Exact Sciences
Classification: Likely benign for AGL-related condition. Last evaluated: 2024-03-27. Review status: no assertion criteria provided. Collection method: clinical testing. Allele origin: germline. Not counted in ClinVar's aggregate classification.
Comment: This variant is classified as likely benign based on ACMG/AMP sequence variant interpretation guidelines (Richards et al. 2015 PMID: 25741868, with internal and published modifications).

NM_000642.3(AGL):c.3252A>G (p.Leu1084=)

Gene: AGL (amylo-alpha-1,6-glucosidase and 4-alpha-glucanotransferase; plus strand). Cytogenetic location: 1p21.2.
Variant type: single nucleotide variant.
Coding change: c.3252A>G on transcript NM_000642.3 (MANE Select); coding-DNA position 3252, A replaced by G.
Protein change: p.Leu1084=; no amino-acid change (leucine 1084 retained).
Molecular consequence: synonymous variant.
Genome position (GRCh38, 1-based): chr1:99,892,600, A>G. VCF-style: chr1-99892600-A-G. GRCh37 (hg19) VCF-style: chr1-100358156-A-G.
Other names: c.3252A>G, p.Leu1084= (NM_000028.3, NM_000643.3, NM_000644.3 and 1 more transcripts); c.3204A>G, p.Leu1068= (NM_000646.3); c.3231A>G, p.Leu1077= (NM_001425326.1); c.3051A>G, p.Leu1017= (NM_001425327.1); c.3048A>G, p.Leu1016= (NM_001425328.1); c.2913A>G, p.Leu971= (NM_001425329.1); c.2874A>G, p.Leu958= (NM_001425332.1); c.3252A>G (NM_000642.2).
Identifiers: ClinVar variation 1112623 (VCV001112623.10), dbSNP rs2100793038, ClinGen allele CA419085771.